The following is an entry in ClinVar:

NM_001943.5(DSG2):c.1640C>T (p.Ala547Val)

Gene: DSG2 (desmoglein 2; plus strand). Cytogenetic location: 18q12.1.
Variant type: single nucleotide variant.
Coding change: c.1640C>T on transcript NM_001943.5 (MANE Select); coding-DNA position 1640, C replaced by T.
Protein change: p.Ala547Val; replaces alanine 547 with valine.
Molecular consequence: missense variant.
Genome position (GRCh38, 1-based): chr18:31,536,418, C>T. VCF-style: chr18-31536418-C-T. GRCh37 (hg19) VCF-style: chr18-29116381-C-T.
Other names: short protein forms A547V.
Identifiers: ClinVar variation 920710 (VCV000920710.4), dbSNP rs1237590165, ClinGen allele CA402142242.

ClinVar aggregate classification (germline): Likely benign. Review status: criteria provided, multiple submitters, no conflicts (2 of 4 stars). 2 submissions from 2 submitters: Likely benign (2). Last evaluated 2024-08-29.

Conditions:
Cardiomyopathy (CMYO). Also called: Cardiomyopathies. Identifiers: Orphanet 167848, MedGen C0878544, MONDO:0004994, HP:0001638. Inheritance: Various modes of inheritance.
Arrhythmogenic right ventricular cardiomyopathy (ARVD). Also called: Arrhythmogenic cardiomyopathy; Cardiomyopathy, ARVC; Arrhythmogenic right ventricular dysplasia; Arrhythmogenic Right Ventricular Cardiomyopathy (ARVC). Identifiers: Orphanet 247, MedGen C0349788, MeSH D019571, MONDO:0016587. Disease mechanism: loss of function. Inheritance: Various modes of inheritance.

Allele frequency attached by ClinVar (database versions not stated): gnomAD exomes below 0.00001.
gnomAD v4.1: 1 of 1,613,510 alleles (0.000062%); highest among the groups gnomAD compares: Non-Finnish European, 0.000085%; no homozygotes.

Submissions (2):

Color Diagnostics, LLC DBA Color Health
Classification: Likely benign for Cardiomyopathy. Last evaluated: 2024-08-29. Review status: criteria provided, single submitter. Criteria: ACMG Guidelines, 2015. Collection method: clinical testing. Allele origin: germline.

All of Us Research Program, National Institutes of Health
Classification: Likely benign for Arrhythmogenic right ventricular cardiomyopathy. Last evaluated: 2023-03-09. Review status: criteria provided, single submitter. Criteria: ACMG Guidelines, 2015. Collection method: clinical testing. Allele origin: germline. Inheritance: Autosomal dominant inheritance. Observed: 1 variant allele, 1 heterozygote.
Comment: This study involves interpretation of variants in research participants for the purpose of population health screening. Participant phenotype was not available at the time of variant classification. Additional details can be found in publication PMID: 35346344, PMCID: PMC8962531